The following is an entry in ClinVar:

NM_000492.4(CFTR):c.536A>G (p.Gln179Arg)

Gene: CFTR (CF transmembrane conductance regulator; plus strand). Cytogenetic location: 7q31.2.
Variant type: single nucleotide variant.
Coding change: c.536A>G on transcript NM_000492.4 (MANE Select); coding-DNA position 536, A replaced by G.
Protein change: p.Gln179Arg; replaces glutamine 179 with arginine.
Molecular consequence: missense variant.
Genome position (GRCh38, 1-based): chr7:117,534,322, A>G. VCF-style: chr7-117534322-A-G. GRCh37 (hg19) VCF-style: chr7-117174376-A-G.
Other names: short protein forms Q179R.
Identifiers: ClinVar variation 3266673 (VCV003266673.1).

ClinVar aggregate classification (germline): Uncertain significance (1 of 4 stars; one submission).

Conditions:
Cystic fibrosis (CF). Also called: MUCOVISCIDOSIS. Identifiers: Orphanet 586, MedGen C0010674, MONDO:0009061, OMIM 219700. Disease mechanism: loss of function.

gnomAD v4.1: 1 of 1,606,588 alleles (0.000062%); highest among the groups gnomAD compares: Non-Finnish European, 0.000085%; no homozygotes.

Submission:

Ambry Genetics
Classification: Uncertain significance for Cystic fibrosis. Last evaluated: 2024-05-12. Review status: criteria provided, single submitter. Criteria: Ambry Variant Classification Scheme 2023. Collection method: clinical testing. Allele origin: germline.
Comment: The p.Q179R variant (also known as c.536A>G), located in coding exon 5 of the CFTR gene, results from an A to G substitution at nucleotide position 536. The glutamine at codon 179 is replaced by arginine, an amino acid with highly similar properties. This amino acid position is conserved. In addition, this alteration is predicted to be deleterious by in silico analysis. Based on the available evidence, the clinical significance of this variant remains unclear.